The following is an entry in ClinVar:

NM_005559.4(LAMA1):c.1493G>A (p.Arg498Gln)

Genes: LAMA1 (laminin subunit alpha 1; minus strand), LOC112543434 (P300/CBP strongly-dependent group 1 enhancer GRCh37_chr18:7038146-7039345; plus strand). Cytogenetic location: 18p11.31.
Variant type: single nucleotide variant.
Coding change: c.1493G>A on transcript NM_005559.4 (MANE Select); coding-DNA position 1493, G replaced by A.
Protein change: p.Arg498Gln; replaces arginine 498 with glutamine.
Molecular consequence: missense variant.
Genome position (GRCh38, 1-based): chr18:7,038,880, C>T on the plus strand (G>A on the coding strand, the complement: LAMA1 is on the minus strand). VCF-style: chr18-7038880-C-T. GRCh37 (hg19) VCF-style: chr18-7038879-C-T.
Other names: short protein forms R498Q.
Identifiers: ClinVar variation 4704674 (VCV004704674.1).
Genomic context (GRCh38, chr18:7,038,880, plus strand): 5'-GGCCAAGAGAGGCTGCTGCAGACATCAGAAACGCCAAAGCAGAAGCACTCGGAGCAGCCC[C>T]GGGGGTTTTTTTCCTTCAAGTTATAGAATCCTGGCTTGCAGCGATCACAGGCCTTCCCCT-3'
Protein context (NP_005550.2, residues 488-508): GFYNLKEKNP[Arg498Gln]GCSECFCFGV

ClinVar aggregate classification (germline): Uncertain significance (1 of 4 stars; one submission).

gnomAD v4.1: 3 of 1,614,020 alleles (0.00019%); highest among the groups gnomAD compares: African/African-American, 0.0013%; no homozygotes.

Submission:

Labcorp Genetics (formerly Invitae), Labcorp
Classification: Uncertain significance. Last evaluated: 2025-04-23. Review status: criteria provided, single submitter. Criteria: Invitae Variant Classification Sherloc (09022015). Collection method: clinical testing. Allele origin: germline.
Comment: This sequence change replaces arginine, which is basic and polar, with glutamine, which is neutral and polar, at codon 498 of the LAMA1 protein (p.Arg498Gln). This variant is not present in population databases (gnomAD no frequency). This variant has not been reported in the literature in individuals affected with LAMA1-related conditions. An algorithm developed to predict the effect of missense changes on protein structure and function outputs the following: PolyPhen-2: "Benign". The glutamine amino acid residue is found in multiple mammalian species, which suggests that this missense change does not adversely affect protein function. In summary, the available evidence is currently insufficient to determine the role of this variant in disease. Therefore, it has been classified as a Variant of Uncertain Significance.